The following is an entry in ClinVar:

NM_001122769.3(LCA5):c.764G>A (p.Arg255Gln)

Gene: LCA5 (lebercilin LCA5; minus strand). Cytogenetic location: 6q14.1.
Variant type: single nucleotide variant.
Coding change: c.764G>A on transcript NM_001122769.3 (MANE Select); coding-DNA position 764, G replaced by A.
Protein change: p.Arg255Gln; replaces arginine 255 with glutamine.
Molecular consequence: missense variant.
Genome position (GRCh38, 1-based): chr6:79,493,707, C>T on the plus strand (G>A on the coding strand, the complement: LCA5 is on the minus strand). VCF-style: chr6-79493707-C-T. GRCh37 (hg19) VCF-style: chr6-80203424-C-T.
Other names: c.764G>A, p.Arg255Gln (NM_181714.4); c.764G>A (NM_181714.3); short protein forms R255Q.
Identifiers: ClinVar variation 167256 (VCV000167256.10), dbSNP rs727503995, ClinGen allele CA234219.

ClinVar aggregate classification (germline): Uncertain significance. Review status: criteria provided, multiple submitters, no conflicts (2 of 4 stars). 3 submissions from 3 submitters: Uncertain significance (2). 1 of the submissions does not count toward it. Last evaluated 2022-02-12.

Conditions:
LCA5-related disorder. Also called: LCA5-related condition.

Allele frequency attached by ClinVar (database versions not stated): gnomAD exomes 0.00001 and 0.00002; ExAC 0.00001; TOPMed 0.00001; gnomAD 0.00002.
gnomAD v4.1: 16 of 1,613,410 alleles (0.00099%); highest among the groups gnomAD compares: Admixed American, 0.013%; no homozygotes.

Submissions (3):

Labcorp Genetics (formerly Invitae), Labcorp
Classification: Uncertain significance. Last evaluated: 2022-02-12. Review status: criteria provided, single submitter. Criteria: Invitae Variant Classification Sherloc (09022015). Collection method: clinical testing. Allele origin: germline.
Comment: This sequence change replaces arginine, which is basic and polar, with glutamine, which is neutral and polar, at codon 255 of the LCA5 protein (p.Arg255Gln). This variant is present in population databases (rs727503995, gnomAD 0.01%). This missense change has been observed in individual(s) with retinitis pigmentosa (PMID: 24265693). ClinVar contains an entry for this variant (Variation ID: 167256). Algorithms developed to predict the effect of missense changes on protein structure and function are either unavailable or do not agree on the potential impact of this missense change (SIFT: "Tolerated"; PolyPhen-2: "Probably Damaging"; Align-GVGD: "Class C0"). In summary, the available evidence is currently insufficient to determine the role of this variant in disease. Therefore, it has been classified as a Variant of Uncertain Significance.

Eurofins Ntd Llc (ga)
Classification: Uncertain significance. Last evaluated: 2014-08-28. Review status: criteria provided, single submitter. Criteria: EGL Classification Definitions 2015. Collection method: clinical testing. Allele origin: germline. Observed: 1 variant allele, 1 heterozygote.

PreventionGenetics, part of Exact Sciences
Classification: Uncertain significance for LCA5-related condition. Last evaluated: 2024-08-01. Review status: no assertion criteria provided. Collection method: clinical testing. Allele origin: germline. Not counted in ClinVar's aggregate classification.
Comment: The LCA5 c.764G>A variant is predicted to result in the amino acid substitution p.Arg255Gln. This variant has been reported as an additional allele in an individual with Leber congenital amaurosis that could be explained by variants in a different gene (Eisenberger et al. 2013. PubMed ID: 24265693). This variant is reported in 0.011% of alleles in individuals of Latino descent in gnomAD. At this time, the clinical significance of this variant is uncertain due to the absence of conclusive functional and genetic evidence.

Literature cited by the submitters: PubMed 24265693 (cited by Labcorp Genetics (formerly Invitae), Labcorp and Eurofins Ntd Llc (ga)).